The following is an entry in ClinVar:

NM_020919.4(ALS2):c.2222G>A (p.Arg741Gln)

Gene: ALS2 (alsin Rho guanine nucleotide exchange factor ALS2; minus strand). Cytogenetic location: 2q33.1.
Variant type: single nucleotide variant.
Coding change: c.2222G>A on transcript NM_020919.4 (MANE Select); coding-DNA position 2222, G replaced by A.
Protein change: p.Arg741Gln; replaces arginine 741 with glutamine.
Molecular consequence: missense variant.
Genome position (GRCh38, 1-based): chr2:201,741,803, C>T on the plus strand (G>A on the coding strand, the complement: ALS2 is on the minus strand). VCF-style: chr2-201741803-C-T. GRCh37 (hg19) VCF-style: chr2-202606526-C-T.
Other names: short protein forms R741Q.
Identifiers: ClinVar variation 412227 (VCV000412227.9), dbSNP rs753349655, ClinGen allele CA2058243.

ClinVar aggregate classification (germline): Uncertain significance (1 of 4 stars; one submission).

Conditions:
Infantile-onset ascending hereditary spastic paralysis (IAHSP). Also called: Infantile-Onset Ascending Hereditary Spastic Paralysis (IAHSP); Autosomal Recessive Juvenile Amyotrophic Lateral Sclerosis. Identifiers: Orphanet 293168, MedGen C2931441, MONDO:0011797, OMIM 607225. Disease mechanism: loss of function.

Allele frequency attached by ClinVar (database versions not stated): TOPMed below 0.00001; gnomAD 0.00001; gnomAD exomes 0.00001; ExAC 0.00002.
gnomAD v4.1: 13 of 1,614,000 alleles (0.00081%); highest among the groups gnomAD compares: South Asian, 0.0044%; no homozygotes.

Submission:

Labcorp Genetics (formerly Invitae), Labcorp
Classification: Uncertain significance for Infantile-onset ascending hereditary spastic paralysis. Last evaluated: 2022-07-12. Review status: criteria provided, single submitter. Criteria: Invitae Variant Classification Sherloc (09022015). Collection method: clinical testing. Allele origin: germline.
Comment: In summary, the available evidence is currently insufficient to determine the role of this variant in disease. Therefore, it has been classified as a Variant of Uncertain Significance. Algorithms developed to predict the effect of missense changes on protein structure and function (SIFT, PolyPhen-2, Align-GVGD) all suggest that this variant is likely to be tolerated. ClinVar contains an entry for this variant (Variation ID: 412227). This variant has not been reported in the literature in individuals affected with ALS2-related conditions. This variant is present in population databases (rs753349655, gnomAD 0.003%). This sequence change replaces arginine, which is basic and polar, with glutamine, which is neutral and polar, at codon 741 of the ALS2 protein (p.Arg741Gln).